The following is an entry in ClinVar:

ClinVar aggregate classification (germline): Pathogenic (1 of 4 stars; one submission).

Submission:

Labcorp Genetics (formerly Invitae), Labcorp
Classification: Pathogenic. Last evaluated: 2022-03-10. Review status: criteria provided, single submitter. Criteria: Invitae Variant Classification Sherloc (09022015). Collection method: clinical testing. Allele origin: germline.
Comment: This variant is a gross deletion of the genomic region encompassing exon(s) 11-14 of the PDE6B gene. This deletion is out-of-frame, and is expected to create a premature termination codon and result in an absent or disrupted protein product. Loss-of-function variants in PDE6B are known to be pathogenic (PMID: 8394174, 8595886, 22334370). This variant has not been reported in the literature in individuals affected with PDE6B-related conditions. For these reasons, this variant has been classified as Pathogenic.

Literature cited by the submitters: PubMed 8394174; PubMed 8595886; PubMed 22334370.

NC_000004.11:g.(?_652741)_(656407_?)del

Gene: PDE6B (phosphodiesterase 6B; plus strand). Cytogenetic location: 4p16.3.
Variant type: Deletion.
Identifiers: ClinVar variation 2422811 (VCV002422811.3).